The following is an entry in ClinVar:

NM_018055.5(NODAL):c.107C>G (p.Ser36Trp)

Gene: NODAL (nodal growth differentiation factor; minus strand). Cytogenetic location: 10q22.1.
Variant type: single nucleotide variant.
Coding change: c.107C>G on transcript NM_018055.5 (MANE Select); coding-DNA position 107, C replaced by G.
Protein change: p.Ser36Trp; replaces serine 36 with tryptophan.
Molecular consequence: missense variant. On other transcripts: intron variant (1).
Genome position (GRCh38, 1-based): chr10:70,441,561, G>C on the plus strand (C>G on the coding strand, the complement: NODAL is on the minus strand). VCF-style: chr10-70441561-G-C. GRCh37 (hg19) VCF-style: chr10-72201317-G-C.
Other names: c.-206-5578C>G (NM_001329906.2); short protein forms S36W.
Identifiers: ClinVar variation 947083 (VCV000947083.9), dbSNP rs1380108149, ClinGen allele CA376947040.

ClinVar aggregate classification (germline): Uncertain significance (1 of 4 stars; one submission).

Conditions:
Heterotaxy, visceral, 5, autosomal (HTX5). Also called: Heterotaxy, visceral, 5. Identifiers: Orphanet 450, MedGen C3495537, MONDO:0700112, OMIM 270100.

gnomAD v4.1: 6 of 1,581,440 alleles (0.00038%); highest among the groups gnomAD compares: Non-Finnish European, 0.00051%; no homozygotes.

Submission:

Labcorp Genetics (formerly Invitae), Labcorp
Classification: Uncertain significance for Heterotaxy, visceral, 5, autosomal. Last evaluated: 2020-02-10. Review status: criteria provided, single submitter. Criteria: Invitae Variant Classification Sherloc (09022015). Collection method: clinical testing. Allele origin: germline.
Comment: In summary, the available evidence is currently insufficient to determine the role of this variant in disease. Therefore, it has been classified as a Variant of Uncertain Significance. This sequence change replaces serine with tryptophan at codon 36 of the NODAL protein (p.Ser36Trp). The serine residue is moderately conserved and there is a large physicochemical difference between serine and tryptophan. This variant is not present in population databases (ExAC no frequency). This variant has not been reported in the literature in individuals with NODAL-related conditions. Algorithms developed to predict the effect of missense changes on protein structure and function are either unavailable or do not agree on the potential impact of this missense change (SIFT: "Deleterious"; PolyPhen-2: "Probably Damaging"; Align-GVGD: "Class C0").